The following is an entry in ClinVar:

ClinVar aggregate classification (germline): Pathogenic (1 of 4 stars; one submission).

Conditions:
LAMA2-related muscular dystrophy (LAMA2-RD). Also called: Laminin alpha 2-related dystrophy. Identifiers: MedGen C5679788, MONDO:0100228.

Submission:

Labcorp Genetics (formerly Invitae), Labcorp
Classification: Pathogenic for LAMA2-related muscular dystrophy. Last evaluated: 2020-08-29. Review status: criteria provided, single submitter. Criteria: Invitae Variant Classification Sherloc (09022015). Collection method: clinical testing. Allele origin: germline.
Comment: Disruption of this splice site has been observed in individual(s) with LAMA2-related muscular dystrophy (PMID: 24611677). In at least one individual the data is consistent with the variant being in trans (on the opposite chromosome) from a pathogenic variant. For these reasons, this variant has been classified as Pathogenic. Donor and acceptor splice site variants typically lead to a loss of protein function (PMID: 16199547), and loss-of-function variants in LAMA2 are known to be pathogenic (PMID: 18700894). Algorithms developed to predict the effect of sequence changes on RNA splicing suggest that this variant may disrupt the consensus splice site, but this prediction has not been confirmed by published transcriptional studies. This variant is not present in population databases (ExAC no frequency). This sequence change affects an acceptor splice site in intron 6 of the LAMA2 gene. It is expected to disrupt RNA splicing and likely results in an absent or disrupted protein product.

Literature cited by the submitters: PubMed 24611677; PubMed 16199547; PubMed 18700894.

NM_000426.4(LAMA2):c.910-1G>A

Gene: LAMA2 (laminin subunit alpha 2; plus strand). Cytogenetic location: 6q22.33.
Variant type: single nucleotide variant.
Coding change: c.910-1G>A on transcript NM_000426.4 (MANE Select); the canonical splice acceptor site of the intron before coding-DNA position 910, G replaced by A.
Molecular consequence: splice acceptor variant.
Genome position (GRCh38, 1-based): chr6:129,148,978, G>A. VCF-style: chr6-129148978-G-A. GRCh37 (hg19) VCF-style: chr6-129470123-G-A.
Other names: c.910-1G>A (NM_001079823.2).
Identifiers: ClinVar variation 1069803 (VCV001069803.9), dbSNP rs2114967780, ClinGen allele CA365606469.
Genomic context (GRCh38, chr6:129,148,978, plus strand): 5'-AGGCTTCCTTTATGGTTCTAAATGAGGCTAAAATTTGTGCTTCCTCCCTCTTTTTGACTA[G>A]AAATCTCGCTGTGAGTGTGAGCATAACACATGTGGCGATAGCTGTGATCAGTGCTGTCCA-3'